The following is an entry in ClinVar:

ClinVar aggregate classification (germline): Uncertain significance. Review status: criteria provided, multiple submitters, no conflicts (2 of 4 stars). 3 submissions from 3 submitters: Uncertain significance (3). Last evaluated 2026-03-03.

Conditions:
Fanconi anemia complementation group O. Also called: RAD51C-Related Fanconi Anemia. Identifiers: Orphanet 84, MedGen C3150653, MONDO:0013248, OMIM 613390.
Hereditary cancer-predisposing syndrome. Also called: Tumor predisposition; Hereditary Cancer Syndrome; Neoplastic Syndromes, Hereditary; Hereditary neoplastic syndrome. Identifiers: Orphanet 140162, MedGen C0027672, MeSH D009386, MONDO:0015356.

gnomAD v4.1: 1 of 1,614,062 alleles (0.000062%); highest among the groups gnomAD compares: Non-Finnish European, 0.000085%; no homozygotes.

Submissions (3):

Ambry Genetics
Classification: Uncertain significance for Hereditary cancer-predisposing syndrome. Last evaluated: 2026-03-03. Review status: criteria provided, single submitter. Criteria: Ambry Variant Classification Scheme 2023. Collection method: clinical testing. Allele origin: germline.
Comment: The p.G112V variant (also known as c.335G>T), located in coding exon 2 of the RAD51C gene, results from a G to T substitution at nucleotide position 335. The glycine at codon 112 is replaced by valine, an amino acid with dissimilar properties. This amino acid position is highly conserved in available vertebrate species. In addition, the in silico prediction for this alteration is inconclusive. Based on the available evidence, the clinical significance of this variant remains unclear.

Labcorp Genetics (formerly Invitae), Labcorp
Classification: Uncertain significance for Fanconi anemia complementation group O. Last evaluated: 2025-03-25. Review status: criteria provided, single submitter. Criteria: Invitae Variant Classification Sherloc (09022015). Collection method: clinical testing. Allele origin: germline.
Comment: This sequence change replaces glycine, which is neutral and non-polar, with valine, which is neutral and non-polar, at codon 112 of the RAD51C protein (p.Gly112Val). This variant is not present in population databases (gnomAD no frequency). This missense change has been observed in individual(s) with ovarian cancer (PMID: 26261251). ClinVar contains an entry for this variant (Variation ID: 496502). Invitae Evidence Modeling of protein sequence and biophysical properties (such as structural, functional, and spatial information, amino acid conservation, physicochemical variation, residue mobility, and thermodynamic stability) indicates that this missense variant is expected to disrupt RAD51C protein function with a positive predictive value of 80%. In summary, the available evidence is currently insufficient to determine the role of this variant in disease. Therefore, it has been classified as a Variant of Uncertain Significance.

Women's Health and Genetics/Laboratory Corporation of America, LabCorp
Classification: Uncertain significance. Last evaluated: 2021-02-15. Review status: criteria provided, single submitter. Criteria: LabCorp Variant Classification Summary - May 2015. Collection method: clinical testing. Allele origin: germline.
Comment: Variant summary: RAD51C c.335G>T (p.Gly112Val) results in a non-conservative amino acid change located in the DNA recombination and repair protein Rad51-like, C-terminal domain (IPR013632) of the encoded protein sequence. Five of five in-silico tools predict a damaging effect of the variant on protein function. The variant was absent in 256840 control chromosomes. The available data on variant occurrences in the general population are insufficient to allow any conclusion about variant significance. c.335G>T has been reported in the literature in at least one individual affected with ovarian cancer (e.g. Song_2015). This report does not provide unequivocal conclusions about association of the variant with Hereditary Breast And Ovarian Cancer Syndrome. To our knowledge, no experimental evidence demonstrating an impact on protein function has been reported. One other clinical diagnostic laboratory has submitted clinical-significance assessments for this variant to ClinVar after 2014 without evidence for independent evaluation and cited the variant as uncertain significance. Based on the evidence outlined above, the variant was classified as uncertain significance.

Literature cited by the submitters: PubMed 26261251 (cited by Labcorp Genetics (formerly Invitae), Labcorp and Women's Health and Genetics/Laboratory Corporation of America, LabCorp); PubMed 28829762 (cited by Women's Health and Genetics/Laboratory Corporation of America, LabCorp).

NM_058216.3(RAD51C):c.335G>T (p.Gly112Val)

Gene: RAD51C (RAD51 paralog C; plus strand). Cytogenetic location: 17q22.
Variant type: single nucleotide variant.
Coding change: c.335G>T on transcript NM_058216.3 (MANE Select); coding-DNA position 335, G replaced by T.
Protein change: p.Gly112Val; replaces glycine 112 with valine.
Molecular consequence: missense variant. On other transcripts: non-coding transcript variant (2).
Genome position (GRCh38, 1-based): chr17:58,695,120, G>T. VCF-style: chr17-58695120-G-T. GRCh37 (hg19) VCF-style: chr17-56772481-G-T.
Other names: c.335G>T, p.Gly112Val (NM_002876.4); short protein forms G112V.
Identifiers: ClinVar variation 496502 (VCV000496502.11), dbSNP rs370212314, ClinGen allele CA400341385.
Genomic context (GRCh38, chr17:58,695,120, plus strand): 5'-AGCAGGAGCATACCCAGGGCTTCATAATCACCTTCTGTTCAGCACTAGATGATATTCTTG[G>T]GGGTGGAGTGCCCTTAATGAAAACAACAGAAATTTGTGGTGCACCAGGTGTTGGAAAAAC-3'
Protein context (NP_478123.1, residues 102-122): TFCSALDDIL[Gly112Val]GGVPLMKTTE